The following is an entry in ClinVar:

ClinVar aggregate classification (germline): Uncertain significance (1 of 4 stars; one submission).

Submission:

Ambry Genetics
Classification: Uncertain significance. Last evaluated: 2025-12-10. Review status: criteria provided, single submitter. Criteria: Ambry Variant Classification Scheme 2023. Collection method: clinical testing. Allele origin: germline.
Comment: The p.N269Y variant (also known as c.805A>T), located in coding exon 8 of the SRP72 gene, results from an A to T substitution at nucleotide position 805. The asparagine at codon 269 is replaced by tyrosine, an amino acid with dissimilar properties. This amino acid position is conserved. In addition, this alteration is predicted to be deleterious by in silico analysis. Based on the available evidence, the clinical significance of this variant remains unclear.

NM_006947.4(SRP72):c.805A>T (p.Asn269Tyr)

Gene: SRP72 (signal recognition particle 72; plus strand). Cytogenetic location: 4q12.
Variant type: single nucleotide variant.
Coding change: c.805A>T on transcript NM_006947.4 (MANE Select); coding-DNA position 805, A replaced by T.
Protein change: p.Asn269Tyr; replaces asparagine 269 with tyrosine.
Molecular consequence: missense variant. On other transcripts: non-coding transcript variant (1), intron variant (1).
Genome position (GRCh38, 1-based): chr4:56,478,629, A>T. VCF-style: chr4-56478629-A-T. GRCh37 (hg19) VCF-style: chr4-57344795-A-T.
Other names: c.642+1927A>T (NM_001267722.2); short protein forms N269Y.
Identifiers: ClinVar variation 4589641 (VCV004589641.1).